The following is an entry in ClinVar:

NM_000336.3(SCNN1B):c.567del (p.Gly188_Cys189insTer)

Gene: SCNN1B (sodium channel epithelial 1 subunit beta; plus strand). Cytogenetic location: 16p12.2.
Variant type: Deletion.
Coding change: c.567del on transcript NM_000336.3 (MANE Select); coding-DNA position 567, one base deleted (C; older notation c.567delC).
Protein change: p.Gly188_Cys189insTer.
Molecular consequence: nonsense.
Genome position (GRCh38, 1-based): chr16:23,353,056, C deleted. VCF-style (leftmost placement, unchanged base first): chr16-23353055-GC-G. GRCh37 (hg19) VCF-style: chr16-23364376-GC-G.
Other names: c.567del, p.Gly188_Cys189insTer (NM_001410900.1).
Identifiers: ClinVar variation 3345984 (VCV003345984.1).

ClinVar aggregate classification (germline): Likely pathogenic (0 of 4 stars; one submission).

Conditions:
SCNN1B-related disorder. Also called: SCNN1B-related condition.

Submission:

PreventionGenetics, part of Exact Sciences
Classification: Likely pathogenic for SCNN1B-related condition. Last evaluated: 2024-07-13. Review status: no assertion criteria provided. Collection method: clinical testing. Allele origin: germline.
Comment: The SCNN1B c.567delC variant is predicted to result in premature protein termination (p.Cys189*). To our knowledge, this variant has not been reported in the literature or in a large population database, indicating this variant is rare. Frameshift variants in SCNN1B are expected to be pathogenic. This variant is interpreted as likely pathogenic.